The following is an entry in ClinVar:

NM_001370259.2(MEN1):c.1324C>T (p.Gln442Ter)

Gene: MEN1 (menin 1; minus strand). Cytogenetic location: 11q13.1.
Variant type: single nucleotide variant.
Coding change: c.1324C>T on transcript NM_001370259.2 (MANE Select); coding-DNA position 1324, C replaced by T.
Protein change: p.Gln442Ter; replaces glutamine 442 with a stop codon.
Molecular consequence: nonsense.
Genome position (GRCh38, 1-based): chr11:64,805,060, G>A on the plus strand (C>T on the coding strand, the complement: MEN1 is on the minus strand). VCF-style: chr11-64805060-G-A. GRCh37 (hg19) VCF-style: chr11-64572532-G-A.
Other names: p.Q442*:CAG>TAG; c.1324C>T, p.Gln442Ter (NM_130799.3, NM_001370260.2, NM_001370261.2); c.1339C>T, p.Gln447Ter (NM_130800.3, NM_130801.3, NM_130802.3 and 3 more transcripts); c.1450C>T, p.Gln484Ter (NM_001370251.2); c.1219C>T, p.Gln407Ter (NM_001370262.2, NM_001370263.2); short protein forms Q442*, Q447*, Q407*, Q484*.
Identifiers: ClinVar variation 201016 (VCV000201016.15), dbSNP rs794728654, ClinGen allele CA009136.

ClinVar aggregate classification (germline): Pathogenic/Likely pathogenic. Review status: criteria provided, multiple submitters, no conflicts (2 of 4 stars). 5 submissions from 5 submitters: Pathogenic (4); Likely pathogenic (1). Last evaluated 2025-12-03.

Conditions:
Familial hyperparathyroidism or Hypocalciuric hypercalcaemia.
Hereditary cancer-predisposing syndrome. Also called: Hereditary Cancer Syndrome; Tumor predisposition; Hereditary neoplastic syndrome; Neoplastic Syndromes, Hereditary. Identifiers: Orphanet 140162, MedGen C0027672, MeSH D009386, MONDO:0015356.
Multiple endocrine neoplasia, type 1 (MEN1). Also called: MEA I; MEN I; WERMER SYNDROME; Endocrine adenomatosis multiple; MEN 1. Identifiers: Orphanet 652, MedGen C0025267, MeSH D018761, MONDO:0007540, OMIM 131100.

Allele frequency attached by ClinVar (database versions not stated): gnomAD exomes below 0.00001.
gnomAD v4.1: 1 of 1,614,086 alleles (0.000062%); highest among the groups gnomAD compares: Non-Finnish European, 0.000085%; no homozygotes.

Submissions (5):

Institute of Human Genetics, FAU Erlangen, Friedrich-Alexander-Universität Erlangen-Nürnberg
Classification: Pathogenic. Last evaluated: 2025-12-03. Review status: criteria provided, single submitter. Criteria: Hauer et al. (Genet Med. 2018). Collection method: clinical testing. Allele origin: germline. Inheritance: Unknown mechanism. Affected: yes. Observed: 1 variant allele.
Comment: This variant has been identified by standard clinical testing.

Ambry Genetics
Classification: Pathogenic for Hereditary cancer-predisposing syndrome. Last evaluated: 2024-10-10. Review status: criteria provided, single submitter. Criteria: Ambry Variant Classification Scheme 2023. Collection method: clinical testing. Allele origin: germline.
Comment: The p.Q442* pathogenic mutation (also known as c.1324C>T), located in coding exon 8 of the MEN1 gene, results from a C to T substitution at nucleotide position 1324. This changes the amino acid from a glutamine to a stop codon within coding exon 8. This mutation has been reported in Japanese and Dutch MEN1 patients (Shimizu S et al. Jpn. J. Cancer Res. 1997 Nov;88:1029-32; Pieterman CR et al. Ann. Surg. 2012 Jun;255:1171-8). Of note, this alteration is also designated as c.1339C>T (p.Gln447X) in published literature. In addition to the clinical data presented in the literature, this alteration is expected to result in loss of function by premature protein truncation. As such, this alteration is interpreted as a disease-causing mutation.

Cambridge Genomics Laboratory, East Genomic Laboratory Hub, NHS Genomic Medicine Service
Classification: Likely pathogenic for Familial hyperparathyroidism or Hypocalciuric hypercalcaemia. Last evaluated: 2024-08-15. Review status: criteria provided, single submitter. Criteria: ACGS Best Practice Guidelines for Variant Classification in Rare Disease 2020. Collection method: clinical testing. Allele origin: germline. Affected: yes.
Comment: PVS1_Strong,PS4_Moderate,PM2,PP4

Labcorp Genetics (formerly Invitae), Labcorp
Classification: Pathogenic for Multiple endocrine neoplasia, type 1. Last evaluated: 2022-11-15. Review status: criteria provided, single submitter. Criteria: Invitae Variant Classification Sherloc (09022015). Collection method: clinical testing. Allele origin: germline.
Comment: ClinVar contains an entry for this variant (Variation ID: 201016). This variant is also known as c.1339C>T and p.Gln447X. This premature translational stop signal has been observed in individuals with multiple endocrine neoplasia type 1 (PMID: 9439676, 22470073, 25824098). This variant is not present in population databases (gnomAD no frequency). This sequence change creates a premature translational stop signal (p.Gln442*) in the MEN1 gene. While this is not anticipated to result in nonsense mediated decay, it is expected to disrupt the last 169 amino acid(s) of the MEN1 protein. For these reasons, this variant has been classified as Pathogenic. This variant disrupts a region of the MEN1 protein in which other variant(s) (p.Arg516Glyfs*43) have been determined to be pathogenic (PMID: 9215689, 12112656, 17879353, 23321498). This suggests that this is a clinically significant region of the protein, and that variants that disrupt it are likely to be disease-causing.

GeneDx
Classification: Pathogenic. Last evaluated: 2019-01-15. Review status: criteria provided, single submitter. Criteria: GeneDx Variant Classification (06012015). Collection method: clinical testing. Allele origin: germline. Affected: yes.
Comment: The Q442X nonsense mutation in the MEN1 gene has been reported previously in association with multiple endocrine neoplasia, type 1 (Shimizu et al., 1997; Pieterman et al., 2012). The premature stop codon results in the loss of the last 169 amino acids and the resulting truncated protein is predicted to have lost normal protein function. The presence of Q442X is consistent with a diagnosis of multiple endocrine neoplasia, type 1. The variant is found in MEN1 panel(s).

Literature cited by the submitters: PubMed 22470073 (cited by Ambry Genetics and Labcorp Genetics (formerly Invitae), Labcorp); PubMed 9439676 (cited by Ambry Genetics and Labcorp Genetics (formerly Invitae), Labcorp); PubMed 25824098 (cited by Labcorp Genetics (formerly Invitae), Labcorp); PubMed 9215689 (cited by Labcorp Genetics (formerly Invitae), Labcorp); PubMed 12112656 (cited by Labcorp Genetics (formerly Invitae), Labcorp); PubMed 17879353 (cited by Labcorp Genetics (formerly Invitae), Labcorp); PubMed 23321498 (cited by Labcorp Genetics (formerly Invitae), Labcorp).